The following is an entry in ClinVar:

ClinVar aggregate classification (germline): Uncertain significance (1 of 4 stars; one submission).

Submission:

Ambry Genetics
Classification: Uncertain significance. Last evaluated: 2021-12-11. Review status: criteria provided, single submitter. Criteria: Ambry Variant Classification Scheme 2023. Collection method: clinical testing. Allele origin: germline.
Comment: The p.K118N variant (also known as c.354A>C), located in coding exon 1 of the EGLN2 gene, results from an A to C substitution at nucleotide position 354. The lysine at codon 118 is replaced by asparagine, an amino acid with similar properties. This amino acid position is conserved. In addition, this alteration is predicted to be tolerated by in silico analysis. Since supporting evidence is limited at this time, the clinical significance of this alteration remains unclear.

NM_080732.4(EGLN2):c.354A>C (p.Lys118Asn)

Genes: EGLN2 (egl-9 family hypoxia inducible factor 2; plus strand), RAB4B-EGLN2 (RAB4B-EGLN2 readthrough (NMD candidate); plus strand). Cytogenetic location: 19q13.2.
Variant type: single nucleotide variant.
Coding change: c.354A>C on transcript NM_080732.4 (MANE Select); coding-DNA position 354, A replaced by C.
Protein change: p.Lys118Asn; replaces lysine 118 with asparagine.
Molecular consequence: missense variant. On other transcripts: non-coding transcript variant (1).
Genome position (GRCh38, 1-based): chr19:40,800,926, A>C. VCF-style: chr19-40800926-A-C. GRCh37 (hg19) VCF-style: chr19-41306831-A-C.
Other names: c.354A>C, p.Lys118Asn (NM_053046.4); short protein forms K118N.
Identifiers: ClinVar variation 1732550 (VCV001732550.2), dbSNP rs2515993728, ClinGen allele CA405955073.